The following is an entry in ClinVar:

NM_002474.3(MYH11):c.1033T>C (p.Ser345Pro)

Gene: MYH11 (myosin heavy chain 11; minus strand). Cytogenetic location: 16p13.11.
Variant type: single nucleotide variant.
Coding change: c.1033T>C on transcript NM_002474.3 (MANE Select); coding-DNA position 1033, T replaced by C.
Protein change: p.Ser345Pro; replaces serine 345 with proline.
Molecular consequence: missense variant.
Genome position (GRCh38, 1-based): chr16:15,771,569, A>G on the plus strand (T>C on the coding strand, the complement: MYH11 is on the minus strand). VCF-style: chr16-15771569-A-G. GRCh37 (hg19) VCF-style: chr16-15865426-A-G.
Other names: c.1054T>C, p.Ser352Pro (NM_001040113.2, NM_001040114.2); c.1033T>C, p.Ser345Pro (NM_022844.3); short protein forms S352P, S345P.
Identifiers: ClinVar variation 2913159 (VCV002913159.3), dbSNP rs2042101394, ClinGen allele CA394867465.

ClinVar aggregate classification (germline): Uncertain significance (1 of 4 stars; one submission).

Conditions:
Aortic aneurysm, familial thoracic 4 (AAT4). Also called: AORTIC ANEURYSM/AORTIC DISSECTION AND PATENT DUCTUS ARTERIOSUS. Identifiers: MedGen C1851504, MONDO:0007568, OMIM 132900.

Allele frequency attached by ClinVar (database versions not stated): gnomAD exomes below 0.00001; gnomAD 0.00001.
gnomAD v4.1: 2 of 1,613,378 alleles (0.00012%); highest among the groups gnomAD compares: South Asian, 0.0011%; no homozygotes.

Submission:

Labcorp Genetics (formerly Invitae), Labcorp
Classification: Uncertain significance for Aortic aneurysm, familial thoracic 4. Last evaluated: 2024-09-12. Review status: criteria provided, single submitter. Criteria: Invitae Variant Classification Sherloc (09022015). Collection method: clinical testing. Allele origin: germline.
Comment: This sequence change replaces serine, which is neutral and polar, with proline, which is neutral and non-polar, at codon 352 of the MYH11 protein (p.Ser352Pro). This variant is not present in population databases (gnomAD no frequency). This variant has not been reported in the literature in individuals affected with MYH11-related conditions. An algorithm developed to predict the effect of missense changes on protein structure and function (PolyPhen-2) suggests that this variant is likely to be tolerated. In summary, the available evidence is currently insufficient to determine the role of this variant in disease. Therefore, it has been classified as a Variant of Uncertain Significance.